The following is an entry in ClinVar:

ClinVar aggregate classification (germline): Uncertain significance (1 of 4 stars; one submission).

Conditions:
Autosomal recessive limb-girdle muscular dystrophy type 2P. Also called: MUSCULAR DYSTROPHY-DYSTROGLYCANOPATHY, LIMB-GIRDLE, DAG1-RELATED; Limb-Girdle Muscular Dystrophy Type 9C; MUSCULAR DYSTROPHY, LIMB-GIRDLE, TYPE 2P. Identifiers: Orphanet 280333, MedGen C4511963, MONDO:0013440, OMIM 613818.
Muscular dystrophy-dystroglycanopathy (congenital with brain and eye anomalies), type A9. Also called: Muscular dystrophy-dystroglycanopathy (congenital with brain and eye anomalies), type a, 9; WALKER-WARBURG SYNDROME OR MUSCLE-EYE BRAIN DISEASE, DAG1-RELATED. Identifiers: Orphanet 370997, Orphanet 899, MedGen C4225291, MONDO:0014683, OMIM 616538.

Submission:

Labcorp Genetics (formerly Invitae), Labcorp
Classification: Uncertain significance for Autosomal recessive limb-girdle muscular dystrophy type 2P; Muscular dystrophy-dystroglycanopathy (congenital with brain and eye anomalies), type A9. Last evaluated: 2020-05-14. Review status: criteria provided, single submitter. Criteria: Invitae Variant Classification Sherloc (09022015). Collection method: clinical testing. Allele origin: germline.
Comment: Experimental studies and prediction algorithms are not available or were not evaluated, and the functional significance of this variant is currently unknown. In summary, the available evidence is currently insufficient to determine the role of this variant in disease. Therefore, it has been classified as a Variant of Uncertain Significance. This variant has not been reported in the literature in individuals with DAG1-related conditions. This variant is not present in population databases (ExAC no frequency). This sequence change results in a premature translational stop signal in the DAG1 gene (p.Ile314Serfs*69). While this is not anticipated to result in nonsense mediated decay, it is expected to disrupt the last 582 amino acids of the DAG1 protein.

NM_004393.6(DAG1):c.939del (p.Ile314fs)

Gene: DAG1 (dystroglycan 1; plus strand). Cytogenetic location: 3p21.31.
Variant type: Deletion.
Coding change: c.939del on transcript NM_004393.6 (MANE Select); coding-DNA position 939, one base deleted (G; older notation c.939delG).
Protein change: p.Ile314fs; shifts the reading frame from isoleucine 314.
Molecular consequence: frameshift variant.
Genome position (GRCh38, 1-based): chr3:49,531,450, G deleted. VCF-style (leftmost placement, unchanged base first): chr3-49531449-AG-A. GRCh37 (hg19) VCF-style: chr3-49568882-AG-A.
Other names: c.939del, p.Ile314fs (NM_001165928.4, NM_001177634.3, NM_001177635.3 and 9 more transcripts); short protein forms I314fs.
Identifiers: ClinVar variation 1055968 (VCV001055968.5), dbSNP rs2107931013, ClinGen allele CA2499216911.
Genomic context (GRCh38, chr3:49,531,449, plus strand): 5'-CTGTGGTGGGTTGGCACATCGCCAATAAGAAGCCCCCTCTTCCCAAACGCGTCCGGAGGC[AG>A]ATCCATGCTACACCCACACCTGTCACTGCCATTGGGCCCCCAACCACGGCTATCCAGGAG-3'